The following is an entry in ClinVar:

ClinVar aggregate classification (germline): Uncertain significance (1 of 4 stars; one submission).

Allele frequency attached by ClinVar (database versions not stated): gnomAD 0.00001; ExAC 0.00001; TOPMed 0.00002.
gnomAD v4.1: 22 of 1,613,610 alleles (0.0014%); highest among the groups gnomAD compares: Middle Eastern, 0.016%; no homozygotes.

Submission:

Labcorp Genetics (formerly Invitae), Labcorp
Classification: Uncertain significance. Last evaluated: 2023-11-27. Review status: criteria provided, single submitter. Criteria: Invitae Variant Classification Sherloc (09022015). Collection method: clinical testing. Allele origin: germline.
Comment: This sequence change replaces threonine, which is neutral and polar, with methionine, which is neutral and non-polar, at codon 291 of the NDUFAF6 protein (p.Thr291Met). This variant is present in population databases (rs763178410, gnomAD 0.004%). This variant has not been reported in the literature in individuals affected with NDUFAF6-related conditions. ClinVar contains an entry for this variant (Variation ID: 2077211). An algorithm developed to predict the effect of missense changes on protein structure and function (PolyPhen-2) suggests that this variant is likely to be disruptive. In summary, the available evidence is currently insufficient to determine the role of this variant in disease. Therefore, it has been classified as a Variant of Uncertain Significance.

NM_152416.4(NDUFAF6):c.872C>T (p.Thr291Met)

Gene: NDUFAF6 (NADH:ubiquinone oxidoreductase complex assembly factor 6; plus strand). Cytogenetic location: 8q22.1.
Variant type: single nucleotide variant.
Coding change: c.872C>T on transcript NM_152416.4 (MANE Select); coding-DNA position 872, C replaced by T.
Protein change: p.Thr291Met; replaces threonine 291 with methionine.
Molecular consequence: missense variant. On other transcripts: non-coding transcript variant (4), intron variant (2).
Genome position (GRCh38, 1-based): chr8:95,052,229, C>T. VCF-style: chr8-95052229-C-T. GRCh37 (hg19) VCF-style: chr8-96064457-C-T.
Other names: c.596C>T, p.Thr199Met (NM_001330582.2, NM_001354514.2, NM_001354515.2); c.716C>T, p.Thr239Met (NM_001354516.2); c.539C>T, p.Thr180Met (NM_001354517.2, NM_001354518.2, NM_001354519.2); c.416C>T, p.Thr139Met (NM_001354522.2, NM_001354524.2, NM_001354525.2 and 7 more transcripts); c.483+3671C>T (NM_001354534.2); c.540+3671C>T (NM_001354521.2); short protein forms T199M, T139M, T291M, T180M, T239M.
Identifiers: ClinVar variation 2077211 (VCV002077211.4), dbSNP rs763178410, ClinGen allele CA4814933.